The following is an entry in ClinVar:

ClinVar aggregate classification (germline): Uncertain significance (1 of 4 stars; one submission).

Submission:

Labcorp Genetics (formerly Invitae), Labcorp
Classification: Uncertain significance. Last evaluated: 2020-11-02. Review status: criteria provided, single submitter. Criteria: Invitae Variant Classification Sherloc (09022015). Collection method: clinical testing. Allele origin: germline.
Comment: This sequence change falls in intron 14 of the POLE gene. It does not directly change the encoded amino acid sequence of the POLE protein. It affects a nucleotide within the consensus splice site of the intron. This variant is not present in population databases (ExAC no frequency). This variant has not been reported in the literature in individuals with POLE-related conditions. Nucleotide substitutions within the consensus splice site are a relatively common cause of aberrant splicing (PMID: 17576681, 9536098). Algorithms developed to predict the effect of sequence changes on RNA splicing suggest that this variant is not likely to affect RNA splicing, but this prediction has not been confirmed by published transcriptional studies. In summary, the available evidence is currently insufficient to determine the role of this variant in disease. Therefore, it has been classified as a Variant of Uncertain Significance.

Literature cited by the submitters: PubMed 17576681; PubMed 9536098.

NM_006231.4(POLE):c.1473+4A>C

Gene: POLE (DNA polymerase epsilon, catalytic subunit; minus strand). Cytogenetic location: 12q24.33.
Variant type: single nucleotide variant.
Coding change: c.1473+4A>C on transcript NM_006231.4 (MANE Select); 4 bases into the intron after coding-DNA position 1473, A replaced by C.
Molecular consequence: intron variant.
Genome position (GRCh38, 1-based): chr12:132,673,160, T>G on the plus strand (A>C on the coding strand, the complement: POLE is on the minus strand). VCF-style: chr12-132673160-T-G. GRCh37 (hg19) VCF-style: chr12-133249746-T-G.
Identifiers: ClinVar variation 1479201 (VCV001479201.6), dbSNP rs2135995582, ClinGen allele CA2573148319.
Genomic context (GRCh38, chr12:132,673,160, plus strand): 5'-AGTGCATTTGGAATGGGGCAAGGGCTGAGGAGGCCAGGGTGCCGACAGGACAGATAATGC[T>G]CACCTCGTCGGGCTCCATGGGAATAATGGTGCACAGAGCAAAGATGAATGGGTGGACGTA-3'